The following is an entry in ClinVar:

ClinVar aggregate classification (germline): Uncertain significance (1 of 4 stars; one submission).

Conditions:
Hypertrophic cardiomyopathy. Also called: HYPERTROPHIC MYOCARDIOPATHY. Identifiers: Orphanet 217569, MedGen C0007194, MeSH D002312, MONDO:0005045, HP:0001639.

Allele frequency attached by ClinVar (database versions not stated): gnomAD exomes below 0.00001.
gnomAD v4.1: 1 of 1,614,082 alleles (0.000062%); highest among the groups gnomAD compares: Non-Finnish European, 0.000085%; no homozygotes.

Submission:

Labcorp Genetics (formerly Invitae), Labcorp
Classification: Uncertain significance for Hypertrophic cardiomyopathy. Last evaluated: 2021-07-13. Review status: criteria provided, single submitter. Criteria: Invitae Variant Classification Sherloc (09022015). Collection method: clinical testing. Allele origin: germline.
Comment: This sequence change replaces asparagine with isoleucine at codon 1933 of the MYH7 protein (p.Asn1933Ile). The asparagine residue is highly conserved and there is a large physicochemical difference between asparagine and isoleucine. This variant is not present in population databases (ExAC no frequency). This variant has not been reported in the literature in individuals affected with MYH7-related conditions. Algorithms developed to predict the effect of missense changes on protein structure and function are either unavailable or do not agree on the potential impact of this missense change (SIFT: "Deleterious"; PolyPhen-2: "Benign"; Align-GVGD: "Class C0"). In summary, the available evidence is currently insufficient to determine the role of this variant in disease. Therefore, it has been classified as a Variant of Uncertain Significance.

NM_000257.4(MYH7):c.5798A>T (p.Asn1933Ile)

Gene: MYH7 (myosin heavy chain 7; minus strand). Cytogenetic location: 14q11.2.
Variant type: single nucleotide variant.
Coding change: c.5798A>T on transcript NM_000257.4 (MANE Select); coding-DNA position 5798, A replaced by T.
Protein change: p.Asn1933Ile; replaces asparagine 1933 with isoleucine.
Molecular consequence: missense variant.
Genome position (GRCh38, 1-based): chr14:23,412,864, T>A on the plus strand (A>T on the coding strand, the complement: MYH7 is on the minus strand). VCF-style: chr14-23412864-T-A. GRCh37 (hg19) VCF-style: chr14-23882073-T-A.
Other names: short protein forms N1933I.
Identifiers: ClinVar variation 1477804 (VCV001477804.8), dbSNP rs2138633164, ClinGen allele CA389033392.